The following is an entry in ClinVar:

ClinVar aggregate classification (germline): Uncertain significance. Review status: criteria provided, multiple submitters, no conflicts (2 of 4 stars). 2 submissions from 2 submitters: Uncertain significance (2). Last evaluated 2022-04-13.

Allele frequency attached by ClinVar (database versions not stated): gnomAD exomes below 0.00001; TOPMed below 0.00001.
gnomAD v4.1: 2 of 1,614,020 alleles (0.00012%); highest among the groups gnomAD compares: African/African-American, 0.0013%; no homozygotes.

Submissions (2):

Blueprint Genetics
Classification: Uncertain significance. Last evaluated: 2022-04-13. Review status: criteria provided, single submitter. Criteria: ACMG Guidelines, 2015. Collection method: clinical testing. Allele origin: germline.

Labcorp Genetics (formerly Invitae), Labcorp
Classification: Uncertain significance. Last evaluated: 2022-04-12. Review status: criteria provided, single submitter. Criteria: Invitae Variant Classification Sherloc (09022015). Collection method: clinical testing. Allele origin: germline.
Comment: Algorithms developed to predict the effect of missense changes on protein structure and function (SIFT, PolyPhen-2, Align-GVGD) all suggest that this variant is likely to be tolerated. This variant has not been reported in the literature in individuals affected with GNPTG-related conditions. This variant is present in population databases (no rsID available, gnomAD 0.007%). This sequence change replaces alanine, which is neutral and non-polar, with valine, which is neutral and non-polar, at codon 289 of the GNPTG protein (p.Ala289Val). In summary, the available evidence is currently insufficient to determine the role of this variant in disease. Therefore, it has been classified as a Variant of Uncertain Significance.

NM_032520.5(GNPTG):c.866C>T (p.Ala289Val)

Gene: GNPTG (N-acetylglucosamine-1-phosphate transferase subunit gamma; plus strand). Cytogenetic location: 16p13.3.
Variant type: single nucleotide variant.
Coding change: c.866C>T on transcript NM_032520.5 (MANE Select); coding-DNA position 866, C replaced by T.
Protein change: p.Ala289Val; replaces alanine 289 with valine.
Molecular consequence: missense variant.
Genome position (GRCh38, 1-based): chr16:1,363,039, C>T. VCF-style: chr16-1363039-C-T. GRCh37 (hg19) VCF-style: chr16-1413040-C-T.
Other names: short protein forms A289V.
Identifiers: ClinVar variation 2125032 (VCV002125032.5), dbSNP rs1306116222, ClinGen allele CA394188928.
Genomic context (GRCh38, chr16:1,363,039, plus strand): 5'-CACCTGGTGTTTTGGCAGAAACTTCCAACTTGGAGCACTTGGGCCACGAGACGCCCAGAG[C>T]CAAGTCTCCAGAGCAGCTGCGGGGTGACCCAGGACTGCGTGGGAGTTTGTGACCTTGTGG-3'
Protein context (NP_115909.1, residues 279-299): LEHLGHETPR[Ala289Val]KSPEQLRGDP